The following is an entry in ClinVar:

ClinVar aggregate classification (germline): Uncertain significance (1 of 4 stars; one submission).

Allele frequency attached by ClinVar (database versions not stated): gnomAD exomes below 0.00001.
gnomAD v4.1: 1 of 1,611,414 alleles (0.000062%); highest among the groups gnomAD compares: Non-Finnish European, 0.000085%; no homozygotes.

Submission:

Labcorp Genetics (formerly Invitae), Labcorp
Classification: Uncertain significance. Last evaluated: 2023-06-05. Review status: criteria provided, single submitter. Criteria: Invitae Variant Classification Sherloc (09022015). Collection method: clinical testing. Allele origin: germline.
Comment: In summary, the available evidence is currently insufficient to determine the role of this variant in disease. Therefore, it has been classified as a Variant of Uncertain Significance. Algorithms developed to predict the effect of sequence changes on RNA splicing suggest that this variant may create or strengthen a splice site. This variant has not been reported in the literature in individuals affected with KIF2A-related conditions. This variant is not present in population databases (gnomAD no frequency). This sequence change affects codon 417 of the KIF2A mRNA. It is a 'silent' change, meaning that it does not change the encoded amino acid sequence of the KIF2A protein.

NM_001098511.3(KIF2A):c.1251C>T (p.Gly417=)

Gene: KIF2A (kinesin family member 2A; plus strand). Cytogenetic location: 5q12.1.
Variant type: single nucleotide variant.
Coding change: c.1251C>T on transcript NM_001098511.3 (MANE Select); coding-DNA position 1251, C replaced by T.
Protein change: p.Gly417=; no amino-acid change (glycine 417 retained).
Molecular consequence: synonymous variant.
Genome position (GRCh38, 1-based): chr5:62,363,309, C>T. VCF-style: chr5-62363309-C-T. GRCh37 (hg19) VCF-style: chr5-61659136-C-T.
Other names: c.1170C>T, p.Gly390= (NM_001243952.2); c.1194C>T, p.Gly398= (NM_001243953.2); c.1251C>T, p.Gly417= (NM_004520.5).
Identifiers: ClinVar variation 2994617 (VCV002994617.3), dbSNP rs2531356813, ClinGen allele CA444579150.